The following is an entry in ClinVar:

NM_000304.4(PMP22):c.337G>A (p.Ala113Thr)

Gene: PMP22 (peripheral myelin protein 22; minus strand). Cytogenetic location: 17p12.
Variant type: single nucleotide variant.
Coding change: c.337G>A on transcript NM_000304.4 (MANE Select); coding-DNA position 337, G replaced by A.
Protein change: p.Ala113Thr; replaces alanine 113 with threonine.
Molecular consequence: missense variant. On other transcripts: non-coding transcript variant (2).
Genome position (GRCh38, 1-based): chr17:15,231,063, C>T on the plus strand (G>A on the coding strand, the complement: PMP22 is on the minus strand). VCF-style: chr17-15231063-C-T. GRCh37 (hg19) VCF-style: chr17-15134380-C-T.
Other names: c.337G>A, p.Ala113Thr (NM_001281455.2, NM_001281456.2, NM_153321.3 and 1 more transcripts); short protein forms A113T.
Identifiers: ClinVar variation 2662819 (VCV002662819.3), dbSNP rs1460602770, ClinGen allele CA398739799.

ClinVar aggregate classification (germline): Uncertain significance. Review status: criteria provided, multiple submitters, no conflicts (2 of 4 stars). 3 submissions from 3 submitters: Uncertain significance (3). Last evaluated 2025-10-29.

Conditions:
Inborn genetic diseases. Identifiers: MedGen C0950123, MeSH D030342.
Charcot-Marie-Tooth disease, type I (CMT1). Also called: Charcot-Marie-Tooth disease type 1; Charcot-Marie-Tooth, Type 1. Identifiers: Orphanet 65753, MedGen C0751036, MONDO:0019011.

Allele frequency attached by ClinVar (database versions not stated): gnomAD exomes below 0.00001; gnomAD 0.00001; TOPMed 0.00001.
gnomAD v4.1: 8 of 1,613,478 alleles (0.0005%); highest among the groups gnomAD compares: South Asian, 0.0011%; no homozygotes.

Submissions (3):

Ambry Genetics
Classification: Uncertain significance for Inborn genetic diseases. Last evaluated: 2025-10-29. Review status: criteria provided, single submitter. Criteria: Ambry Variant Classification Scheme 2023. Collection method: clinical testing. Allele origin: germline.
Comment: The c.337G>A (p.A113T) alteration is located in exon 5 (coding exon 4) of the PMP22 gene. This alteration results from a G to A substitution at nucleotide position 337, causing the alanine (A) at amino acid position 113 to be replaced by a threonine (T). Based on data from gnomAD, the A allele has an overall frequency of <0.001% (1/281966) total alleles studied. The highest observed frequency was 0.001% (1/128588) of European (non-Finnish) alleles. Based on insufficient or conflicting evidence, the clinical significance of this alteration remains unclear.

Labcorp Genetics (formerly Invitae), Labcorp
Classification: Uncertain significance for Charcot-Marie-Tooth disease, type I. Last evaluated: 2025-05-27. Review status: criteria provided, single submitter. Criteria: Invitae Variant Classification Sherloc (09022015). Collection method: clinical testing. Allele origin: germline.
Comment: This sequence change replaces alanine, which is neutral and non-polar, with threonine, which is neutral and polar, at codon 113 of the PMP22 protein (p.Ala113Thr). This variant is present in population databases (no rsID available, gnomAD 0.0008%). This variant has not been reported in the literature in individuals affected with PMP22-related conditions. ClinVar contains an entry for this variant (Variation ID: 2662819). Invitae Evidence Modeling of protein sequence and biophysical properties (such as structural, functional, and spatial information, amino acid conservation, physicochemical variation, residue mobility, and thermodynamic stability) indicates that this missense variant is not expected to disrupt PMP22 protein function with a negative predictive value of 95%. In summary, the available evidence is currently insufficient to determine the role of this variant in disease. Therefore, it has been classified as a Variant of Uncertain Significance.

GeneDx
Classification: Uncertain significance. Last evaluated: 2023-11-01. Review status: criteria provided, single submitter. Criteria: GeneDx Variant Classification Process June 2021. Collection method: clinical testing. Allele origin: germline. Affected: yes.
Comment: In silico analysis supports that this missense variant has a deleterious effect on protein structure/function; Has not been previously published as pathogenic or benign to our knowledge